The following is an entry in ClinVar:

NM_001394062.1(MACF1):c.13774G>A (p.Glu4592Lys)

Gene: MACF1 (microtubule actin crosslinking factor 1; plus strand). Cytogenetic location: 1p34.3.
Variant type: single nucleotide variant.
Coding change: c.13774G>A on transcript NM_001394062.1 (MANE Select); coding-DNA position 13774, G replaced by A.
Protein change: p.Glu4592Lys; replaces glutamic acid 4592 with lysine.
Molecular consequence: missense variant.
Genome position (GRCh38, 1-based): chr1:39,382,078, G>A. VCF-style: chr1-39382078-G-A. GRCh37 (hg19) VCF-style: chr1-39847750-G-A.
Other names: c.7588G>A, p.Glu2530Lys (NM_012090.5); short protein forms E2530K, E4592K.
Identifiers: ClinVar variation 4527309 (VCV004527309.1).

ClinVar aggregate classification (germline): Uncertain significance (1 of 4 stars; one submission).

Submission:

GeneDx
Classification: Uncertain significance. Last evaluated: 2025-04-30. Review status: criteria provided, single submitter. Criteria: GeneDx Variant Classification Process June 2021. Collection method: clinical testing. Allele origin: germline. Affected: yes.
Comment: Not observed at significant frequency in large population cohorts (gnomAD); In silico analysis supports that this missense variant has a deleterious effect on protein structure/function; Has not been previously published as pathogenic or benign to our knowledge